The following is an entry in ClinVar:

ClinVar aggregate classification (germline): Likely benign. Review status: criteria provided, single submitter (1 of 4 stars). 2 submissions from 2 submitters: Likely benign (1). 1 of the submissions does not count toward it. Last evaluated 2025-12-13.

Conditions:
CSF3R-related disorder. Also called: CSF3R-related condition.
Autosomal recessive severe congenital neutropenia due to CSF3R deficiency. Also called: Neutropenia, severe congenital, 7, autosomal recessive. Identifiers: Orphanet 420702, MedGen C4310764, MONDO:0014865, OMIM 617014.

Allele frequency attached by ClinVar (database versions not stated): ExAC 0.00001; gnomAD 0.00001; ESP Exome Variant Server 0.00008; TOPMed 0.00001; gnomAD exomes 0.00002.
gnomAD v4.1: 10 of 1,614,092 alleles (0.00062%); highest among the groups gnomAD compares: South Asian, 0.0011%; no homozygotes.

Submissions (2):

Labcorp Genetics (formerly Invitae), Labcorp
Classification: Likely benign for Autosomal recessive severe congenital neutropenia due to CSF3R deficiency. Last evaluated: 2025-12-13. Review status: criteria provided, single submitter. Criteria: Invitae Variant Classification Sherloc (09022015). Collection method: clinical testing. Allele origin: germline.

PreventionGenetics, part of Exact Sciences
Classification: Likely benign for CSF3R-related condition. Last evaluated: 2021-04-08. Review status: no assertion criteria provided. Collection method: clinical testing. Allele origin: germline. Not counted in ClinVar's aggregate classification.
Comment: This variant is classified as likely benign based on ACMG/AMP sequence variant interpretation guidelines (Richards et al. 2015 PMID: 25741868, with internal and published modifications).

NM_000760.4(CSF3R):c.2115G>A (p.Lys705=)

Gene: CSF3R (colony stimulating factor 3 receptor; minus strand). Cytogenetic location: 1p34.3.
Variant type: single nucleotide variant.
Coding change: c.2115G>A on transcript NM_000760.4 (MANE Select); coding-DNA position 2115, G replaced by A.
Protein change: p.Lys705=; no amino-acid change (lysine 705 retained).
Molecular consequence: synonymous variant.
Genome position (GRCh38, 1-based): chr1:36,466,753, C>T on the plus strand (G>A on the coding strand, the complement: CSF3R is on the minus strand). VCF-style: chr1-36466753-C-T. GRCh37 (hg19) VCF-style: chr1-36932354-C-T.
Other names: c.2115G>A (NM_000760.3); c.2196G>A, p.Lys732= (NM_156039.3); c.2115G>A, p.Lys705= (NM_172313.3).
Identifiers: ClinVar variation 2724456 (VCV002724456.5), dbSNP rs373095416, ClinGen allele CA768950.